The following is an entry in ClinVar:

NM_002185.5(IL7R):c.1046G>T (p.Cys349Phe)

Gene: IL7R (interleukin 7 receptor; plus strand). Cytogenetic location: 5p13.2.
Variant type: single nucleotide variant.
Coding change: c.1046G>T on transcript NM_002185.5 (MANE Select); coding-DNA position 1046, G replaced by T.
Protein change: p.Cys349Phe; replaces cysteine 349 with phenylalanine.
Molecular consequence: missense variant. On other transcripts: non-coding transcript variant (1).
Genome position (GRCh38, 1-based): chr5:35,876,152, G>T. VCF-style: chr5-35876152-G-T. GRCh37 (hg19) VCF-style: chr5-35876254-G-T.
Other names: short protein forms C349F.
Identifiers: ClinVar variation 1360476 (VCV001360476.3), dbSNP rs200927791, ClinGen allele CA3232190.

ClinVar aggregate classification (germline): Uncertain significance (1 of 4 stars; one submission).

Conditions:
Immunodeficiency 104. Also called: Severe combined immunodeficiency, autosomal recessive, T cell-negative, B cell-positive, NK cell-positive; IMMUNODEFICIENCY 104, SEVERE COMBINED; SCID, AUTOSOMAL RECESSIVE, T CELL-NEGATIVE, B CELL-POSITIVE, NK CELL-POSITIVE; Severe Combined Immune Deficiency, Autosomal Recessive, TCell -Negative, B Cell-Positive, NK Cell-Positive, IL7R-Related. Identifiers: MedGen C5676890, MONDO:0012163, OMIM 608971.

Allele frequency attached by ClinVar (database versions not stated): ESP Exome Variant Server 0.00008.

Submission:

Labcorp Genetics (formerly Invitae), Labcorp
Classification: Uncertain significance for Immunodeficiency 104. Last evaluated: 2022-08-23. Review status: criteria provided, single submitter. Criteria: Invitae Variant Classification Sherloc (09022015). Collection method: clinical testing. Allele origin: germline.
Comment: This sequence change replaces cysteine, which is neutral and slightly polar, with phenylalanine, which is neutral and non-polar, at codon 349 of the IL7R protein (p.Cys349Phe). This variant is present in population databases (rs200927791, gnomAD 0.0009%). This variant has not been reported in the literature in individuals affected with IL7R-related conditions. ClinVar contains an entry for this variant (Variation ID: 1360476). Advanced modeling of protein sequence and biophysical properties (such as structural, functional, and spatial information, amino acid conservation, physicochemical variation, residue mobility, and thermodynamic stability) performed at Invitae indicates that this missense variant is not expected to disrupt IL7R protein function. In summary, the available evidence is currently insufficient to determine the role of this variant in disease. Therefore, it has been classified as a Variant of Uncertain Significance.